The following is an entry in ClinVar:

NC_000002.11:g.(?_202060545)_(202060691_?)del

Gene: CASP10 (caspase 10; plus strand). Cytogenetic location: 2q33.1.
Variant type: Deletion.
Identifiers: ClinVar variation 2427085 (VCV002427085.4).

ClinVar aggregate classification (germline): Uncertain significance (1 of 4 stars; one submission).

Conditions:
Autoimmune lymphoproliferative syndrome type 2A (ALPS2A). Also called: Autoimmune lymphoproliferative syndrome type 2; AUTOIMMUNE LYMPHOPROLIFERATIVE SYNDROME, TYPE IIA; CASP10-Related Autoimmune Lymphoproliferative Syndrome. Identifiers: Orphanet 3261, MedGen C1858968, MONDO:0011383, OMIM 603909.

Submission:

Labcorp Genetics (formerly Invitae), Labcorp
Classification: Uncertain significance for Autoimmune lymphoproliferative syndrome type 2A. Last evaluated: 2023-11-04. Review status: criteria provided, single submitter. Criteria: Invitae Variant Classification Sherloc (09022015). Collection method: clinical testing. Allele origin: germline.
Comment: This variant is a gross deletion of the genomic region encompassing exon(s) 5 of the CASP10 gene. This deletion is out-of-frame, and is expected to create a premature translational stop signal and result in an absent or disrupted protein product. However, the current clinical and genetic evidence is not sufficient to establish whether loss-of-function variants in CASP10 cause disease. This variant has not been reported in the literature in individuals affected with CASP10-related conditions. In summary, the available evidence is currently insufficient to determine the role of this variant in disease. Therefore, it has been classified as a Variant of Uncertain Significance.